The following is an entry in ClinVar:

NM_020247.5(COQ8A):c.1783C>G (p.Leu595Val)

Gene: COQ8A (coenzyme Q8A; plus strand). Cytogenetic location: 1q42.13.
Variant type: single nucleotide variant.
Coding change: c.1783C>G on transcript NM_020247.5 (MANE Select); coding-DNA position 1783, C replaced by G.
Protein change: p.Leu595Val; replaces leucine 595 with valine.
Molecular consequence: missense variant.
Genome position (GRCh38, 1-based): chr1:226,986,576, C>G. VCF-style: chr1-226986576-C-G. GRCh37 (hg19) VCF-style: chr1-227174277-C-G.
Other names: short protein forms L595V.
Identifiers: ClinVar variation 1967658 (VCV001967658.6), dbSNP rs1177761224, ClinGen allele CA345056923.

ClinVar aggregate classification (germline): Uncertain significance. Review status: criteria provided, multiple submitters, no conflicts (2 of 4 stars). 2 submissions from 2 submitters: Uncertain significance (2). Last evaluated 2022-09-08.

Conditions:
Inborn genetic diseases. Identifiers: MedGen C0950123, MeSH D030342.

Allele frequency attached by ClinVar (database versions not stated): gnomAD exomes below 0.00001.
gnomAD v4.1: 6 of 1,614,032 alleles (0.00037%); highest among the groups gnomAD compares: Admixed American, 0.0017%; no homozygotes.

Submissions (2):

Ambry Genetics
Classification: Uncertain significance for Inborn genetic diseases. Last evaluated: 2022-09-08. Review status: criteria provided, single submitter. Criteria: Ambry Variant Classification Scheme 2023. Collection method: clinical testing. Allele origin: germline.

Labcorp Genetics (formerly Invitae), Labcorp
Classification: Uncertain significance. Last evaluated: 2022-03-11. Review status: criteria provided, single submitter. Criteria: Invitae Variant Classification Sherloc (09022015). Collection method: clinical testing. Allele origin: germline.
Comment: Algorithms developed to predict the effect of sequence changes on RNA splicing suggest that this variant may create or strengthen a splice site. Algorithms developed to predict the effect of missense changes on protein structure and function (SIFT, PolyPhen-2, Align-GVGD) all suggest that this variant is likely to be disruptive. This variant has not been reported in the literature in individuals affected with COQ8A-related conditions. This variant is present in population databases (no rsID available, gnomAD 0.003%). This sequence change replaces leucine, which is neutral and non-polar, with valine, which is neutral and non-polar, at codon 595 of the COQ8A protein (p.Leu595Val). In summary, the available evidence is currently insufficient to determine the role of this variant in disease. Therefore, it has been classified as a Variant of Uncertain Significance.